The following is an entry in ClinVar:

ClinVar aggregate classification (germline): Uncertain significance (1 of 4 stars; one submission).

Submission:

Women's Health and Genetics/Laboratory Corporation of America, LabCorp
Classification: Uncertain significance. Last evaluated: 2024-02-27. Review status: criteria provided, single submitter. Criteria: LabCorp Variant Classification Summary - May 2015. Collection method: clinical testing. Allele origin: germline.
Comment: Variant summary: UBTF c.2202_2204dupCGA (p.Asp734dup) results in an in-frame duplication that is predicted to duplicate one amino acids into the encoded protein. The variant was absent in 246648 control chromosomes. The available data on variant occurrences in the general population are insufficient to allow any conclusion about variant significance. To our knowledge, no occurrence of c.2202_2204dupCGA in individuals affected with Childhood-Onset Motor And Cognitive Regression Syndrome With Extrapyramidal Movement Disorder and no experimental evidence demonstrating its impact on protein function have been reported. No submitters have cited clinical-significance assessments for this variant to ClinVar. Based on the evidence outlined above, the variant was classified as uncertain significance.

NM_014233.4(UBTF):c.2196CGA[4] (p.Asp734_Glu735insAsp)

Genes: ATXN7L3-AS1 (ATXN7L3 antisense RNA 1; plus strand), UBTF (upstream binding transcription factor; minus strand). Cytogenetic location: 17q21.31.
Variant type: Microsatellite.
Coding change: c.2196CGA[4] on transcript NM_014233.4 (MANE Select); four copies in a row of the 3-base unit CGA starting at c.2196; the reference has three copies in a row; one copy, 3 bases duplicated.
Protein change: p.Asp734_Glu735insAsp.
Molecular consequence: inframe insertion. On other transcripts: non-coding transcript variant (1).
Genome position (GRCh38, 1-based): chr17:44,207,333-44,207,335, TCG duplicated on the plus strand (CGA on the coding strand, the reverse complement: UBTF is on the minus strand); duplicating any 3 consecutive bases within chr17:44,207,333-44,207,343 gives the same sequence; the position shown is the placement nearest the transcript's 3' end. VCF-style (leftmost placement, unchanged base first): chr17-44207332-C-CTCG. GRCh37 (hg19) VCF-style: chr17-42284700-C-CTCG.
Other names: c.2085CGA[4], p.Asp697_Glu698insAsp (NM_001076683.2, NM_001076684.3); c.2202_2204dupCGA (NM_014233.4).
Identifiers: ClinVar variation 3069082 (VCV003069082.2), dbSNP rs777305639, ClinGen allele CA2638182501.